The following is an entry in ClinVar:

ClinVar aggregate classification (germline): Uncertain significance. Review status: criteria provided, multiple submitters, no conflicts (2 of 4 stars). 2 submissions from 2 submitters: Uncertain significance (2). Last evaluated 2024-11-25.

Conditions:
Inborn genetic diseases. Identifiers: MedGen C0950123, MeSH D030342.

Allele frequency attached by ClinVar (database versions not stated): gnomAD exomes below 0.00001; TOPMed below 0.00001.
gnomAD v4.1: 4 of 1,612,976 alleles (0.00025%); highest among the groups gnomAD compares: African/African-American, 0.0013%; no homozygotes.

Submissions (2):

Ambry Genetics
Classification: Uncertain significance for Inborn genetic diseases. Last evaluated: 2024-11-25. Review status: criteria provided, single submitter. Criteria: Ambry Variant Classification Scheme 2023. Collection method: clinical testing. Allele origin: germline.

CeGaT Center for Human Genetics Tuebingen
Classification: Uncertain significance. Last evaluated: 2023-12-01. Review status: criteria provided, single submitter. Criteria: CeGaT Center For Human Genetics Tuebingen Variant Classification Criteria Version 2. Collection method: clinical testing. Allele origin: germline. Affected: yes. Observed: 2 variant alleles.
Comment: RERE: PM2, BP4

NM_001042681.2(RERE):c.439T>G (p.Leu147Val)

Gene: RERE (arginine-glutamic acid dipeptide repeats; minus strand). Cytogenetic location: 1p36.23.
Variant type: single nucleotide variant.
Coding change: c.439T>G on transcript NM_001042681.2 (MANE Select); coding-DNA position 439, T replaced by G.
Protein change: p.Leu147Val; replaces leucine 147 with valine.
Molecular consequence: missense variant.
Genome position (GRCh38, 1-based): chr1:8,614,644, A>C on the plus strand (T>G on the coding strand, the complement: RERE is on the minus strand). VCF-style: chr1-8614644-A-C. GRCh37 (hg19) VCF-style: chr1-8674703-A-C.
Other names: c.439T>G (NM_012102.3); c.439T>G, p.Leu147Val (NM_012102.4); short protein forms L147V.
Identifiers: ClinVar variation 806048 (VCV000806048.43), dbSNP rs1570515580, ClinGen allele CA338224332.